The following is an entry in ClinVar:

NM_001042492.3(NF1):c.4482_4483del (p.His1494fs)

Gene: NF1 (neurofibromin 1; plus strand). Cytogenetic location: 17q11.2.
Variant type: Deletion.
Coding change: c.4482_4483del on transcript NM_001042492.3 (MANE Select); coding-DNA positions 4482 to 4483, 2 bases deleted (TA; older notation c.4482_4483delTA).
Protein change: p.His1494fs; shifts the reading frame from histidine 1494.
Molecular consequence: frameshift variant.
Genome position (GRCh38, 1-based): chr17:31,260,420-31,260,421, TA deleted; deleting any 2 consecutive bases within chr17:31,260,419-31,260,421 gives the same sequence; the c. name uses the placement nearest the transcript's 3' end. VCF-style (leftmost placement, unchanged base first): chr17-31260418-CAT-C. GRCh37 (hg19) VCF-style: chr17-29587436-CAT-C.
Other names: c.4419_4420delTA, p.His1473Glnfs (NM_000267.4); c.4419_4420delTA (NM_000267.3); short protein forms H1494fs, H1473fs.
Identifiers: ClinVar variation 457702 (VCV000457702.31), dbSNP rs1555618821, ClinGen allele CA658658580.

ClinVar aggregate classification (germline): Pathogenic. Review status: criteria provided, multiple submitters, no conflicts (2 of 4 stars). 3 submissions from 3 submitters: Pathogenic (3). Last evaluated 2024-11-26.

Conditions:
NF1-related disorder. Also called: NF1-related condition. Identifiers: MedGen CN379171.
Neurofibromatosis, type 1 (NF1). Also called: VON RECKLINGHAUSEN DISEASE; Peripheral type neurofibromatosis; NEUROFIBROMATOSIS, TYPE I, SOMATIC; Neurofibromatosis, type I. Identifiers: Orphanet 636, MedGen C0027831, MONDO:0018975, OMIM 162200. Disease mechanism: loss of function.

Submissions (3):

Blueprint Genetics
Classification: Pathogenic for NF1-related disorders. Last evaluated: 2024-11-26. Review status: criteria provided, single submitter. Criteria: ACMG Guidelines, 2015. Collection method: clinical testing. Allele origin: germline. Affected: yes. Observed: 1 variant allele.

Labcorp Genetics (formerly Invitae), Labcorp
Classification: Pathogenic for Neurofibromatosis, type 1. Last evaluated: 2022-10-13. Review status: criteria provided, single submitter. Criteria: Invitae Variant Classification Sherloc (09022015). Collection method: clinical testing. Allele origin: germline.
Comment: This sequence change creates a premature translational stop signal (p.His1473Glnfs*7) in the NF1 gene. It is expected to result in an absent or disrupted protein product. Loss-of-function variants in NF1 are known to be pathogenic (PMID: 10712197, 23913538). This variant is not present in population databases (gnomAD no frequency). This premature translational stop signal has been observed in individual(s) with a suspected and/or clinical diagnosis of neurofibromatosis type 1 (PMID: 24789688; Invitae). This variant is also known as 4418_4419delAT. ClinVar contains an entry for this variant (Variation ID: 457702). For these reasons, this variant has been classified as Pathogenic.

Institute of Medical Genetics, University of Zurich
Classification: Pathogenic for Neurofibromatosis, type 1. Last evaluated: 2022-05-06. Review status: criteria provided, single submitter. Criteria: ACMG Guidelines, 2015. Collection method: clinical testing. Allele origin: unknown. Affected: yes.

Literature cited by the submitters: PubMed 10712197 (cited by Labcorp Genetics (formerly Invitae), Labcorp); PubMed 23913538 (cited by Labcorp Genetics (formerly Invitae), Labcorp); PubMed 24789688 (cited by Labcorp Genetics (formerly Invitae), Labcorp).